The following is an entry in ClinVar:

NM_004448.4(ERBB2):c.1509G>C (p.Glu503Asp)

Gene: ERBB2 (erb-b2 receptor tyrosine kinase 2; plus strand). Cytogenetic location: 17q12.
Variant type: single nucleotide variant.
Coding change: c.1509G>C on transcript NM_004448.4 (MANE Select); coding-DNA position 1509, G replaced by C.
Protein change: p.Glu503Asp; replaces glutamic acid 503 with aspartic acid.
Molecular consequence: missense variant. On other transcripts: non-coding transcript variant (1), intron variant (1).
Genome position (GRCh38, 1-based): chr17:39,715,935, G>C. VCF-style: chr17-39715935-G-C. GRCh37 (hg19) VCF-style: chr17-37872188-G-C.
Other names: c.1419G>C, p.Glu473Asp (NM_001005862.3, NM_001289938.2, NM_001382782.1 and 1 more transcripts); c.1464G>C, p.Glu488Asp (NM_001289936.2); c.1509G>C, p.Glu503Asp (NM_001289937.2, NM_001382792.1, NM_001382793.1 and 12 more transcripts); c.1500G>C, p.Glu500Asp (NM_001382791.1); c.1329G>C, p.Glu443Asp (NM_001382799.1); c.1626G>C, p.Glu542Asp (NM_001382784.1, NM_001382786.1); c.1584G>C, p.Glu528Asp (NM_001382787.1); c.1530G>C, p.Glu510Asp (NM_001382789.1); and 3 more; short protein forms E488D, E503D, E542D, E227D, E443D, E473D, E500D, E510D.
Identifiers: ClinVar variation 1955759 (VCV001955759.5), dbSNP rs983576212, ClinGen allele CA290430889.

ClinVar aggregate classification (germline): Uncertain significance (1 of 4 stars; one submission).

Submission:

Labcorp Genetics (formerly Invitae), Labcorp
Classification: Uncertain significance. Last evaluated: 2022-12-20. Review status: criteria provided, single submitter. Criteria: Invitae Variant Classification Sherloc (09022015). Collection method: clinical testing. Allele origin: germline.
Comment: In summary, the available evidence is currently insufficient to determine the role of this variant in disease. Therefore, it has been classified as a Variant of Uncertain Significance. Algorithms developed to predict the effect of missense changes on protein structure and function (SIFT, PolyPhen-2, Align-GVGD) all suggest that this variant is likely to be tolerated. This variant has not been reported in the literature in individuals affected with ERBB2-related conditions. This variant is not present in population databases (gnomAD no frequency). This sequence change replaces glutamic acid, which is acidic and polar, with aspartic acid, which is acidic and polar, at codon 503 of the ERBB2 protein (p.Glu503Asp).